The following is an entry in ClinVar:

ClinVar aggregate classification (germline): Uncertain significance (1 of 4 stars; one submission).

Conditions:
Hereditary cancer-predisposing syndrome. Also called: Neoplastic Syndromes, Hereditary; Tumor predisposition; Hereditary neoplastic syndrome; Hereditary Cancer Syndrome. Identifiers: Orphanet 140162, MedGen C0027672, MeSH D009386, MONDO:0015356.

Submission:

Ambry Genetics
Classification: Uncertain significance for Hereditary cancer-predisposing syndrome. Last evaluated: 2026-07-06. Review status: criteria provided, single submitter. Criteria: Ambry Variant Classification Scheme 2023. Collection method: clinical testing. Allele origin: germline.
Comment: The p.P89L variant (also known as c.266C>T), located in coding exon 2 of the FH gene, results from a C to T substitution at nucleotide position 266. The proline at codon 89 is replaced by leucine, an amino acid with similar properties. This amino acid position is conserved. In addition, this alteration is predicted to be deleterious by in silico analysis. Based on the available evidence, the clinical significance of this variant remains unclear.

NM_000143.4(FH):c.266C>T (p.Pro89Leu)

Gene: FH (fumarate hydratase; minus strand). Cytogenetic location: 1q43.
Variant type: single nucleotide variant.
Coding change: c.266C>T on transcript NM_000143.4 (MANE Select); coding-DNA position 266, C replaced by T.
Protein change: p.Pro89Leu; replaces proline 89 with leucine.
Molecular consequence: missense variant.
Genome position (GRCh38, 1-based): chr1:241,517,183, G>A on the plus strand (C>T on the coding strand, the complement: FH is on the minus strand). VCF-style: chr1-241517183-G-A. GRCh37 (hg19) VCF-style: chr1-241680483-G-A.
Other names: short protein forms P89L.
Identifiers: ClinVar variation 5021738 (VCV005021738.1).